The following is an entry in ClinVar:

ClinVar aggregate classification (germline): Uncertain significance. Review status: criteria provided, multiple submitters, no conflicts (2 of 4 stars). 3 submissions from 3 submitters: Uncertain significance (3). Last evaluated 2024-02-23.

Conditions:
Hereditary cancer-predisposing syndrome. Also called: Hereditary neoplastic syndrome; Tumor predisposition; Neoplastic Syndromes, Hereditary; Hereditary Cancer Syndrome. Identifiers: Orphanet 140162, MedGen C0027672, MeSH D009386, MONDO:0015356.
Familial cancer of breast. Also called: Hereditary breast cancer; hereditary breast carcinoma; BREAST CANCER, FAMILIAL. Identifiers: Orphanet 227535, MedGen C0346153, MONDO:0016419, OMIM 114480. Disease mechanism: loss of function.

Submissions (3):

Labcorp Genetics (formerly Invitae), Labcorp
Classification: Uncertain significance for Familial cancer of breast. Last evaluated: 2024-02-23. Review status: criteria provided, single submitter. Criteria: Invitae Variant Classification Sherloc (09022015). Collection method: clinical testing. Allele origin: germline.
Comment: This sequence change replaces arginine, which is basic and polar, with proline, which is neutral and non-polar, at codon 150 of the BARD1 protein (p.Arg150Pro). This variant is not present in population databases (gnomAD no frequency). This variant has not been reported in the literature in individuals affected with BARD1-related conditions. ClinVar contains an entry for this variant (Variation ID: 655931). An algorithm developed to predict the effect of missense changes on protein structure and function (PolyPhen-2) suggests that this variant is likely to be disruptive. In summary, the available evidence is currently insufficient to determine the role of this variant in disease. Therefore, it has been classified as a Variant of Uncertain Significance.

GeneDx
Classification: Uncertain significance. Last evaluated: 2023-07-18. Review status: criteria provided, single submitter. Criteria: GeneDx Variant Classification Process June 2021. Collection method: clinical testing. Allele origin: germline. Affected: yes.
Comment: Not observed at significant frequency in large population cohorts (gnomAD); In silico analysis supports that this missense variant has a deleterious effect on protein structure/function; Has not been previously published as pathogenic or benign to our knowledge; This variant is associated with the following publications: (PMID: 28569743)

Ambry Genetics
Classification: Uncertain significance for Hereditary cancer-predisposing syndrome. Last evaluated: 2018-09-10. Review status: criteria provided, single submitter. Criteria: Ambry Variant Classification Scheme 2023. Collection method: clinical testing. Allele origin: germline.
Comment: The p.R150P variant (also known as c.449G>C), located in coding exon 4 of the BARD1 gene, results from a G to C substitution at nucleotide position 449. The arginine at codon 150 is replaced by proline, an amino acid with dissimilar properties. This amino acid position is highly conserved in available vertebrate species. In addition, the in silico prediction for this alteration is inconclusive. Since supporting evidence is limited at this time, the clinical significance of this alteration remains unclear.

NM_000465.4(BARD1):c.449G>C (p.Arg150Pro)

Gene: BARD1 (BRCA1 associated RING domain 1; minus strand). Cytogenetic location: 2q35.
Variant type: single nucleotide variant.
Coding change: c.449G>C on transcript NM_000465.4 (MANE Select); coding-DNA position 449, G replaced by C.
Protein change: p.Arg150Pro; replaces arginine 150 with proline.
Molecular consequence: missense variant. On other transcripts: non-coding transcript variant (2), intron variant (3).
Genome position (GRCh38, 1-based): chr2:214,781,425, C>G on the plus strand (G>C on the coding strand, the complement: BARD1 is on the minus strand). VCF-style: chr2-214781425-C-G. GRCh37 (hg19) VCF-style: chr2-215646149-C-G.
Other names: c.392G>C, p.Arg131Pro (NM_001282543.2); c.158+27987G>C (NM_001282548.2); c.215+15636G>C (NM_001282545.2); c.364+10872G>C (NM_001282549.2); short protein forms R150P, R131P.
Identifiers: ClinVar variation 655931 (VCV000655931.13), dbSNP rs730881412, ClinGen allele CA350457714.